The following is an entry in ClinVar:

NM_004415.4(DSP):c.1267-10A>C

Gene: DSP (desmoplakin; plus strand). Cytogenetic location: 6p24.3.
Variant type: single nucleotide variant.
Coding change: c.1267-10A>C on transcript NM_004415.4 (MANE Select); 10 bases into the intron before coding-DNA position 1267, A replaced by C.
Molecular consequence: intron variant.
Genome position (GRCh38, 1-based): chr6:7,568,427, A>C. VCF-style: chr6-7568427-A-C. GRCh37 (hg19) VCF-style: chr6-7568660-A-C.
Other names: c.1267-10A>C (NM_001319034.2, NM_001008844.3).
Identifiers: ClinVar variation 1671422 (VCV001671422.9), dbSNP rs2113674080, ClinGen allele CA2573140850.

ClinVar aggregate classification (germline): Likely benign. Review status: criteria provided, multiple submitters, no conflicts (2 of 4 stars). 2 submissions from 2 submitters: Likely benign (2). Last evaluated 2024-06-09.

Conditions:
Arrhythmogenic right ventricular dysplasia 8 (ARVD8). Also called: Arrhythmogenic Right Ventricular Dysplasia/Cardiomyopathy 8; ARRHYTHMOGENIC RIGHT VENTRICULAR DYSPLASIA, FAMILIAL, 8; ARRHYTHMOGENIC RIGHT VENTRICULAR CARDIOMYOPATHY 8. Identifiers: MedGen C1843896, MONDO:0011831, OMIM 607450.
Arrhythmogenic cardiomyopathy with wooly hair and keratoderma. Also called: Carvajal syndrome; Arrhythmogenic cardiomyopathy with woolly hair and keratoderma; Dilated cardiomyopathy with woolly hair and keratoderma; PALMOPLANTAR KERATODERMA WITH LEFT VENTRICULAR CARDIOMYOPATHY AND WOOLLY HAIR. Identifiers: Orphanet 65282, MedGen C1854063, MONDO:0011581, OMIM 605676.

Submissions (2):

All of Us Research Program, National Institutes of Health
Classification: Likely benign for Arrhythmogenic cardiomyopathy with wooly hair and keratoderma. Last evaluated: 2024-06-09. Review status: criteria provided, single submitter. Criteria: ACMG Guidelines, 2015. Collection method: clinical testing. Allele origin: germline. Inheritance: Autosomal dominant inheritance. Observed: 1 variant allele, 1 heterozygote.
Comment: This study involves interpretation of variants in research participants for the purpose of population health screening. Participant phenotype was not available at the time of variant classification. Additional details can be found in publication PMID: 35346344, PMCID: PMC8962531

Labcorp Genetics (formerly Invitae), Labcorp
Classification: Likely benign for Arrhythmogenic cardiomyopathy with wooly hair and keratoderma; Arrhythmogenic right ventricular dysplasia 8. Last evaluated: 2023-08-24. Review status: criteria provided, single submitter. Criteria: Invitae Variant Classification Sherloc (09022015). Collection method: clinical testing. Allele origin: germline.